The following is an entry in ClinVar:

ClinVar aggregate classification (germline): Conflicting classifications of pathogenicity. Review status: criteria provided, conflicting classifications (1 of 4 stars). 4 submissions from 4 submitters: Uncertain significance (1); Benign (1); Likely benign (2). Last evaluated 2026-03-06.

Conditions:
Capillary malformation-arteriovenous malformation syndrome. Also called: Capillary malformation-arteriovenous malformation. Identifiers: Orphanet 137667, MedGen C1842180, MONDO:0012016.
RASA1-related disorder. Also called: RASA1-related condition.
Cardiovascular phenotype. Identifiers: MedGen CN230736.

Allele frequency attached by ClinVar (database versions not stated): gnomAD 0.00038 and 0.00039; ESP Exome Variant Server 0.00054; TOPMed 0.00039; gnomAD exomes 0.00058 and 0.00030; ExAC 0.00021.
gnomAD v4.1: 906 of 1,609,886 alleles (0.056%); highest among the groups gnomAD compares: Non-Finnish European, 0.071%; no homozygotes.

Submissions (4):

PreventionGenetics, part of Exact Sciences
Classification: Likely benign for RASA1-related condition. Last evaluated: 2026-03-06. Review status: criteria provided, single submitter. Criteria: ACMG Guidelines, 2015. Collection method: clinical testing. Allele origin: germline.
Comment: This variant is classified as likely benign based on ACMG/AMP sequence variant interpretation guidelines (Richards et al. 2015 PMID: 25741868, with internal and published modifications).

Labcorp Genetics (formerly Invitae), Labcorp
Classification: Uncertain significance for Capillary malformation-arteriovenous malformation syndrome. Last evaluated: 2026-02-01. Review status: criteria provided, single submitter. Criteria: Invitae Variant Classification Sherloc (09022015). Collection method: clinical testing. Allele origin: germline.
Comment: This sequence change falls in intron 14 of the RASA1 gene. It does not directly change the encoded amino acid sequence of the RASA1 protein. It affects a nucleotide within the consensus splice site. This variant is present in population databases (rs201249348, gnomAD 0.05%), and has an allele count higher than expected for a pathogenic variant. This variant has not been reported in the literature in individuals affected with RASA1-related conditions. ClinVar contains an entry for this variant (Variation ID: 464855). Variants that disrupt the consensus splice site are a relatively common cause of aberrant splicing (PMID: 17576681, 9536098). Algorithms developed to predict the effect of sequence changes on RNA splicing suggest that this variant is not likely to affect RNA splicing. In summary, the available evidence is currently insufficient to determine the role of this variant in disease. Therefore, it has been classified as a Variant of Uncertain Significance.

Ambry Genetics
Classification: Benign for Cardiovascular phenotype. Last evaluated: 2022-03-25. Review status: criteria provided, single submitter. Criteria: Ambry Variant Classification Scheme 2023. Collection method: clinical testing. Allele origin: germline.

GeneDx
Classification: Likely benign. Last evaluated: 2020-11-11. Review status: criteria provided, single submitter. Criteria: GeneDx Variant Classification Process June 2021. Collection method: clinical testing. Allele origin: germline. Affected: yes.

Literature cited by the submitters: PubMed 17576681 (cited by Labcorp Genetics (formerly Invitae), Labcorp); PubMed 9536098 (cited by Labcorp Genetics (formerly Invitae), Labcorp).

NM_002890.3(RASA1):c.1935-3T>C

Genes: CCNH (cyclin H; minus strand), RASA1 (RAS p21 protein activator 1; plus strand). Cytogenetic location: 5q14.3.
Variant type: single nucleotide variant.
Coding change: c.1935-3T>C on transcript NM_002890.3 (MANE Select); 3 bases into the intron before coding-DNA position 1935, T replaced by C.
Molecular consequence: intron variant.
Genome position (GRCh38, 1-based): chr5:87,374,837, T>C. VCF-style: chr5-87374837-T-C. GRCh37 (hg19) VCF-style: chr5-86670654-T-C.
Other names: c.1404-3T>C (NM_022650.3); c.933+20207A>G (NM_001364075.2).
Identifiers: ClinVar variation 464855 (VCV000464855.15), dbSNP rs201249348, ClinGen allele CA3335887.